The following is an entry in ClinVar:

ClinVar aggregate classification (germline): Pathogenic (1 of 4 stars; one submission).

Submission:

Labcorp Genetics (formerly Invitae), Labcorp
Classification: Pathogenic. Last evaluated: 2023-07-25. Review status: criteria provided, single submitter. Criteria: Invitae Variant Classification Sherloc (09022015). Collection method: clinical testing. Allele origin: unknown.
Comment: This variant is a gross deletion of the genomic region encompassing exon(s) 1-11 of the MCPH1 gene, which includes the initiator codon. This deletion extends beyond the assayed region for this gene and therefore may encompass additional genes. It is expected to result in an absent or disrupted protein product. Loss-of-function variants in MCPH1 are known to be pathogenic (PMID: 20978018). A similar copy number variant has been observed in individual(s) with microcephaly (PMID: 28004384). For these reasons, this variant has been classified as Pathogenic.

Literature cited by the submitters: PubMed 20978018; PubMed 28004384.

NC_000008.10:g.(?_6264189)_(6338417_?)del

Gene: MCPH1 (microcephalin 1; plus strand). Cytogenetic location: 8p23.1.
Variant type: Deletion.
Identifiers: ClinVar variation 3245596 (VCV003245596.1).